The following is an entry in ClinVar:

NM_001035.3(RYR2):c.5341G>A (p.Glu1781Lys)

Gene: RYR2 (ryanodine receptor 2; plus strand). Cytogenetic location: 1q43.
Variant type: single nucleotide variant.
Coding change: c.5341G>A on transcript NM_001035.3 (MANE Select); coding-DNA position 5341, G replaced by A.
Protein change: p.Glu1781Lys; replaces glutamic acid 1781 with lysine.
Molecular consequence: missense variant.
Genome position (GRCh38, 1-based): chr1:237,614,469, G>A. VCF-style: chr1-237614469-G-A. GRCh37 (hg19) VCF-style: chr1-237777769-G-A.
Other names: short protein forms E1781K.
Identifiers: ClinVar variation 3633797 (VCV003633797.2).
Genomic context (GRCh38, chr1:237,614,469, plus strand): 5'-ATGCAGTTTTCCTCCCCCAGTTTTGTAAGCATTAGTAATGAATGTTACCAGTACAGTCCA[G>A]AGTTCCCACTGGACATCCTCAAGTCCAAAACCATACAGATGCTGACAGAAGCTGTTAAAG-3'
Protein context (NP_001026.2, residues 1771-1791): ISNECYQYSP[Glu1781Lys]FPLDILKSKT

ClinVar aggregate classification (germline): Uncertain significance (1 of 4 stars; one submission).

Conditions:
Catecholaminergic polymorphic ventricular tachycardia 1. Also called: VENTRICULAR TACHYCARDIA, CATECHOLAMINERGIC POLYMORPHIC, 1, WITH OR WITHOUT ATRIAL DYSFUNCTION AND/OR DILATED CARDIOMYOPATHY; RYR2-Related Catecholaminergic Polymorphic Ventricular Tachycardia; VENTRICULAR TACHYCARDIA, STRESS-INDUCED POLYMORPHIC 1. Identifiers: Orphanet 3286, MedGen C1631597, MONDO:0011484, OMIM 604772.

Submission:

Labcorp Genetics (formerly Invitae), Labcorp
Classification: Uncertain significance for Catecholaminergic polymorphic ventricular tachycardia 1. Last evaluated: 2025-05-01. Review status: criteria provided, single submitter. Criteria: Invitae Variant Classification Sherloc (09022015). Collection method: clinical testing. Allele origin: germline.
Comment: This sequence change replaces glutamic acid, which is acidic and polar, with lysine, which is basic and polar, at codon 1781 of the RYR2 protein (p.Glu1781Lys). This variant is not present in population databases (gnomAD no frequency). This variant has not been reported in the literature in individuals affected with RYR2-related conditions. ClinVar contains an entry for this variant (Variation ID: 3633797). Invitae Evidence Modeling of protein sequence and biophysical properties (such as structural, functional, and spatial information, amino acid conservation, physicochemical variation, residue mobility, and thermodynamic stability) indicates that this missense variant is not expected to disrupt RYR2 protein function with a negative predictive value of 95%. In summary, the available evidence is currently insufficient to determine the role of this variant in disease. Therefore, it has been classified as a Variant of Uncertain Significance.